The following is an entry in ClinVar:

NM_006230.4(POLD2):c.502G>C (p.Asp168His)

Gene: POLD2 (DNA polymerase delta 2, accessory subunit; minus strand). Cytogenetic location: 7p13.
Variant type: single nucleotide variant.
Coding change: c.502G>C on transcript NM_006230.4 (MANE Select); coding-DNA position 502, G replaced by C.
Protein change: p.Asp168His; replaces aspartic acid 168 with histidine.
Molecular consequence: missense variant.
Genome position (GRCh38, 1-based): chr7:44,117,212, C>G on the plus strand (G>C on the coding strand, the complement: POLD2 is on the minus strand). VCF-style: chr7-44117212-C-G. GRCh37 (hg19) VCF-style: chr7-44156811-C-G.
Other names: c.502G>C, p.Asp168His (NM_001127218.3, NM_001256879.2); c.502G>C (NM_001127218.1); short protein forms D168H.
Identifiers: ClinVar variation 2153918 (VCV002153918.6), dbSNP rs147202391, ClinGen allele CA4238828.

ClinVar aggregate classification (germline): Uncertain significance. Review status: criteria provided, multiple submitters, no conflicts (2 of 4 stars). 2 submissions from 2 submitters: Uncertain significance (2). Last evaluated 2025-12-03.

Allele frequency attached by ClinVar (database versions not stated): ExAC 0.00003; ESP Exome Variant Server 0.00008.
gnomAD v4.1: 46 of 1,613,892 alleles (0.0029%); highest among the groups gnomAD compares: Non-Finnish European, 0.0036%; no homozygotes.

Submissions (2):

Labcorp Genetics (formerly Invitae), Labcorp
Classification: Uncertain significance. Last evaluated: 2025-12-03. Review status: criteria provided, single submitter. Criteria: Invitae Variant Classification Sherloc (09022015). Collection method: clinical testing. Allele origin: germline.
Comment: This sequence change replaces aspartic acid, which is acidic and polar, with histidine, which is basic and polar, at codon 203 of the POLD2 protein (p.Asp203His). This variant is present in population databases (rs147202391, gnomAD 0.004%). This variant has not been reported in the literature in individuals affected with POLD2-related conditions. ClinVar contains an entry for this variant (Variation ID: 2153918). Experimental studies and prediction algorithms are not available or were not evaluated, and the functional significance of this variant is currently unknown. In summary, the available evidence is currently insufficient to determine the role of this variant in disease. Therefore, it has been classified as a Variant of Uncertain Significance.

Ambry Genetics
Classification: Uncertain significance. Last evaluated: 2025-01-17. Review status: criteria provided, single submitter. Criteria: Ambry Variant Classification Scheme 2023. Collection method: clinical testing. Allele origin: germline.